The following is an entry in ClinVar:

NM_022081.6(HPS4):c.1040G>A (p.Gly347Asp)

Gene: HPS4 (HPS4 biogenesis of lysosomal organelles complex 3 subunit 2; minus strand). Cytogenetic location: 22q12.1.
Variant type: single nucleotide variant.
Coding change: c.1040G>A on transcript NM_022081.6 (MANE Select); coding-DNA position 1040, G replaced by A.
Protein change: p.Gly347Asp; replaces glycine 347 with aspartic acid.
Molecular consequence: missense variant. On other transcripts: non-coding transcript variant (8).
Genome position (GRCh38, 1-based): chr22:26,464,590, C>T on the plus strand (G>A on the coding strand, the complement: HPS4 is on the minus strand). VCF-style: chr22-26464590-C-T. GRCh37 (hg19) VCF-style: chr22-26860556-C-T.
Other names: c.1040G>A, p.Gly347Asp (NM_001349896.1, NM_001349898.2, NM_001349899.2 and 4 more transcripts); c.1094G>A, p.Gly365Asp (NM_001349900.2, NM_001349901.1); c.1025G>A, p.Gly342Asp (NM_152841.2); short protein forms G347D, G342D, G365D.
Identifiers: ClinVar variation 1383820 (VCV001383820.5), dbSNP rs113242819, ClinGen allele CA10163419.

ClinVar aggregate classification (germline): Uncertain significance (1 of 4 stars; one submission).

Allele frequency attached by ClinVar (database versions not stated): ExAC 0.00001; gnomAD exomes 0.00005; ESP Exome Variant Server 0.00008.
gnomAD v4.1: 17 of 1,614,088 alleles (0.0011%); highest among the groups gnomAD compares: Admixed American, 0.025%; no homozygotes.

Submission:

Labcorp Genetics (formerly Invitae), Labcorp
Classification: Uncertain significance. Last evaluated: 2022-01-13. Review status: criteria provided, single submitter. Criteria: Invitae Variant Classification Sherloc (09022015). Collection method: clinical testing. Allele origin: germline.
Comment: This sequence change replaces glycine, which is neutral and non-polar, with aspartic acid, which is acidic and polar, at codon 347 of the HPS4 protein (p.Gly347Asp). This variant is present in population databases (rs113242819, gnomAD 0.03%). This variant has not been reported in the literature in individuals affected with HPS4-related conditions. Algorithms developed to predict the effect of missense changes on protein structure and function output the following: SIFT: "Tolerated"; PolyPhen-2: "Benign"; Align-GVGD: "Class C0". The aspartic acid amino acid residue is found in multiple mammalian species, which suggests that this missense change does not adversely affect protein function. In summary, the available evidence is currently insufficient to determine the role of this variant in disease. Therefore, it has been classified as a Variant of Uncertain Significance.